The following is an entry in ClinVar:

ClinVar aggregate classification (germline): Likely benign (1 of 4 stars; one submission).

Conditions:
Leigh syndrome (NULS). Also called: Leigh's necrotizing encephalopathy; Leigh's disease; Leigh Syndrome (mtDNA deletion); Leigh Disease; Subacute necrotizing encephalopathy; Necrotizing encephalopathy infantile subacute of Leigh. Identifiers: Orphanet 506, MedGen C2931891, MONDO:0009723, OMIM 256000.

Submission:

Wong Mito Lab, Molecular and Human Genetics, Baylor College of Medicine
Classification: Likely benign for Leigh syndrome. Last evaluated: 2019-10-17. Review status: criteria provided, single submitter. Criteria: Modified ACMG Guidelines (Unpublished). Collection method: clinical testing. Allele origin: germline.
Comment: The NC_012920.1:m.10680G>A (YP_003024034.1:p.Ala71Thr) variant in MTND4L gene is interpretated to be a Likely Benign variant based on the modified ACMG guidelines (unpublished). This variant meets the following evidence codes: BS1, BP4

Literature cited by the submitters: PubMed 19394449; PubMed 20643099; PubMed 29444077.

NC_012920.1(MT-ND4L):m.10680G>A

Gene: MT-ND4L (mitochondrially encoded NADH dehydrogenase 4L; plus strand).
Variant type: single nucleotide variant.
Genome position: chrM-10680-G-A.
Identifiers: ClinVar variation 693310 (VCV000693310.1), dbSNP rs1603222945, ClinGen allele CA414806371.